The following is an entry in ClinVar:

ClinVar aggregate classification (germline): Pathogenic/Likely pathogenic. Review status: criteria provided, multiple submitters, no conflicts (2 of 4 stars). 2 submissions from 2 submitters: Pathogenic (1); Likely pathogenic (1). Last evaluated 2023-09-08.

Conditions:
Congenital lactic acidosis, Saguenay-Lac-Saint-Jean type (MC4DN5). Also called: CYTOCHROME c OXIDASE DEFICIENCY, FRENCH CANADIAN TYPE; COX DEFICIENCY, FRENCH CANADIAN TYPE; MITOCHONDRIAL COMPLEX IV DEFICIENCY, NUCLEAR TYPE 5. Identifiers: Orphanet 70472, MedGen C1857355, MONDO:0009069, OMIM 220111.

Allele frequency attached by ClinVar (database versions not stated): TOPMed below 0.00001; gnomAD 0.00001.
gnomAD v4.1: 1 of 1,613,250 alleles (0.000062%); highest among the groups gnomAD compares: Non-Finnish European, 0.000085%; no homozygotes.

Submissions (2):

Labcorp Genetics (formerly Invitae), Labcorp
Classification: Pathogenic. Last evaluated: 2023-09-08. Review status: criteria provided, single submitter. Criteria: Invitae Variant Classification Sherloc (09022015). Collection method: clinical testing. Allele origin: germline.
Comment: This sequence change creates a premature translational stop signal (p.Gln82*) in the LRPPRC gene. It is expected to result in an absent or disrupted protein product. Loss-of-function variants in LRPPRC are known to be pathogenic (PMID: 26510951). This variant is present in population databases (no rsID available, gnomAD 0.0009%). This variant has not been reported in the literature in individuals affected with LRPPRC-related conditions. ClinVar contains an entry for this variant (Variation ID: 1354514). For these reasons, this variant has been classified as Pathogenic.

Baylor Genetics
Classification: Likely pathogenic for Congenital lactic acidosis, Saguenay-Lac-Saint-Jean type. Last evaluated: 2023-08-29. Review status: criteria provided, single submitter. Criteria: ACMG Guidelines, 2015. Collection method: clinical testing. Allele origin: unknown.

Literature cited by the submitters: PubMed 26510951 (cited by Labcorp Genetics (formerly Invitae), Labcorp).

NM_133259.4(LRPPRC):c.244C>T (p.Gln82Ter)

Gene: LRPPRC (leucine rich pentatricopeptide repeat containing; minus strand). Cytogenetic location: 2p21.
Variant type: single nucleotide variant.
Coding change: c.244C>T on transcript NM_133259.4 (MANE Select); coding-DNA position 244, C replaced by T.
Protein change: p.Gln82Ter; replaces glutamine 82 with a stop codon.
Molecular consequence: nonsense.
Genome position (GRCh38, 1-based): chr2:43,982,340, G>A on the plus strand (C>T on the coding strand, the complement: LRPPRC is on the minus strand). VCF-style: chr2-43982340-G-A. GRCh37 (hg19) VCF-style: chr2-44209479-G-A.
Other names: short protein forms Q82*.
Identifiers: ClinVar variation 1354514 (VCV001354514.7), dbSNP rs754855090, ClinGen allele CA346678258.